The following is an entry in ClinVar:

NC_000023.10:g.(?_31947693)_(32614013_?)dup

Gene: DMD (dystrophin; minus strand). Cytogenetic location: Xp21.1.
Variant type: Duplication.
Identifiers: ClinVar variation 2424952 (VCV002424952.5).

ClinVar aggregate classification (germline): Uncertain significance (1 of 4 stars; one submission).

Conditions:
Duchenne muscular dystrophy (DMD). Also called: Duchenne Muscular Dystrophy (DMD); MUSCULAR DYSTROPHY, PSEUDOHYPERTROPHIC PROGRESSIVE, DUCHENNE TYPE. Identifiers: Orphanet 98896, MedGen C0013264, MONDO:0010679, OMIM 310200.

Submission:

Labcorp Genetics (formerly Invitae), Labcorp
Classification: Uncertain significance for Duchenne muscular dystrophy. Last evaluated: 2021-11-27. Review status: criteria provided, single submitter. Criteria: Invitae Variant Classification Sherloc (09022015). Collection method: clinical testing. Allele origin: germline.
Comment: In summary, the available evidence is currently insufficient to determine the role of this variant in disease. Therefore, it has been classified as a Variant of Uncertain Significance. Experimental studies and prediction algorithms are not available or were not evaluated, and the functional significance of this variant is currently unknown. A similar copy number variant has been observed in individual(s) with clinical features of DMD-related conditions (Invitae). This variant results in a copy number gain of the genomic region encompassing exon(s) 13-47 of the DMD gene. While the exact position of this variant cannot be determined from the data, sub-genic copy number gains are generally in tandem (PMID: 25640679). This variant is predicted to be in-frame, and likely preserves the integrity of the reading frame.

Literature cited by the submitters: PubMed 25640679.